The following is an entry in ClinVar:

ClinVar aggregate classification (germline): Uncertain significance (1 of 4 stars; one submission).

Conditions:
Bloom syndrome (BLM). Also called: Bloom-Torre-Machacek syndrome. Identifiers: Orphanet 125, MedGen C0005859, MONDO:0008876, OMIM 210900.

Allele frequency attached by ClinVar (database versions not stated): gnomAD exomes below 0.00001.
gnomAD v4.1: 1 of 1,612,620 alleles (0.000062%); highest among the groups gnomAD compares: Non-Finnish European, 0.000085%; no homozygotes.

Submission:

Labcorp Genetics (formerly Invitae), Labcorp
Classification: Uncertain significance for Bloom syndrome. Last evaluated: 2022-06-01. Review status: criteria provided, single submitter. Criteria: Invitae Variant Classification Sherloc (09022015). Collection method: clinical testing. Allele origin: germline.
Comment: This sequence change replaces cysteine, which is neutral and slightly polar, with glycine, which is neutral and non-polar, at codon 288 of the BLM protein (p.Cys288Gly). This variant is not present in population databases (gnomAD no frequency). This variant has not been reported in the literature in individuals affected with BLM-related conditions. Algorithms developed to predict the effect of missense changes on protein structure and function output the following: SIFT: "Tolerated"; PolyPhen-2: "Benign"; Align-GVGD: "Class C0". The glycine amino acid residue is found in multiple mammalian species, which suggests that this missense change does not adversely affect protein function. Algorithms developed to predict the effect of sequence changes on RNA splicing suggest that this variant may create or strengthen a splice site. In summary, the available evidence is currently insufficient to determine the role of this variant in disease. Therefore, it has been classified as a Variant of Uncertain Significance.

NM_000057.4(BLM):c.862T>G (p.Cys288Gly)

Gene: BLM (BLM RecQ like helicase; plus strand). Cytogenetic location: 15q26.1.
Variant type: single nucleotide variant.
Coding change: c.862T>G on transcript NM_000057.4 (MANE Select); coding-DNA position 862, T replaced by G.
Protein change: p.Cys288Gly; replaces cysteine 288 with glycine.
Molecular consequence: missense variant. On other transcripts: 5 prime UTR variant (1).
Genome position (GRCh38, 1-based): chr15:90,751,849, T>G. VCF-style: chr15-90751849-T-G. GRCh37 (hg19) VCF-style: chr15-91295079-T-G.
Other names: c.862T>G, p.Cys288Gly (NM_001287246.2, NM_001287247.2); c.-430T>G (NM_001287248.2); short protein forms C288G.
Identifiers: ClinVar variation 1946759 (VCV001946759.5), dbSNP rs2151149624, ClinGen allele CA393841751.